The following is an entry in ClinVar:

ClinVar aggregate classification (germline): Benign/Likely benign. Review status: criteria provided, multiple submitters, no conflicts (2 of 4 stars). 9 submissions from 9 submitters: Benign (5); Likely benign (2). 2 of the submissions do not count toward it. Last evaluated 2026-02-01.

Conditions:
Multiple system atrophy 1, susceptibility to. Also called: MSA1, SUSCEPTIBILITY TO. Identifiers: MedGen C3714927, MONDO:0020715, OMIM 146500.
Coenzyme Q10 deficiency, primary, 1. Also called: UBIQUINONE DEFICIENCY 1; COENZYME Q DEFICIENCY 1; CoQ DEFICIENCY 1. Identifiers: Orphanet 255249, MedGen C3551954, MONDO:0011829, OMIM 607426.

Allele frequency attached by ClinVar (database versions not stated): gnomAD exomes 0.00065 and 0.00171; ExAC 0.00209; 1000 Genomes Project 0.00659; ESP Exome Variant Server 0.00662; gnomAD 0.00679 and 0.00725; 1000 Genomes Project 30x 0.00750; TOPMed 0.00774.
gnomAD v4.1: 2,017 of 1,600,174 alleles (0.13%); highest among the groups gnomAD compares: African/African-American, 2.4%; 20 homozygotes.

Submissions (9):

Labcorp Genetics (formerly Invitae), Labcorp
Classification: Benign. Last evaluated: 2026-02-01. Review status: criteria provided, single submitter. Criteria: Invitae Variant Classification Sherloc (09022015). Collection method: clinical testing. Allele origin: germline.

Blueprint Genetics
Classification: Likely benign. Last evaluated: 2024-11-21. Review status: criteria provided, single submitter. Criteria: ACMG Guidelines, 2015. Collection method: clinical testing. Allele origin: germline.

ARUP Laboratories, Molecular Genetics and Genomics, ARUP Laboratories
Classification: Benign. Last evaluated: 2023-09-22. Review status: criteria provided, single submitter. Criteria: ARUP Molecular Germline Variant Investigation Process 2024. Collection method: clinical testing. Allele origin: germline.

Fulgent Genetics
Classification: Likely benign for Multiple system atrophy 1, susceptibility to; Coenzyme Q10 deficiency, primary, 1. Last evaluated: 2021-08-02. Review status: criteria provided, single submitter. Criteria: ACMG Guidelines, 2015. Collection method: clinical testing. Allele origin: unknown.

Mayo Clinic Laboratories, Mayo Clinic
Classification: Benign. Last evaluated: 2021-01-13. Review status: criteria provided, single submitter. Criteria: ACMG Guidelines, 2015. Collection method: clinical testing. Allele origin: germline. Observed: 10 variant alleles.

GeneDx
Classification: Benign. Last evaluated: 2013-04-22. Review status: criteria provided, single submitter. Criteria: GeneDx Variant Classification (06012015). Collection method: clinical testing. Allele origin: germline. Affected: yes.
Comment: This variant is considered likely benign or benign based on one or more of the following criteria: it is a conservative change, it occurs at a poorly conserved position in the protein, it is predicted to be benign by multiple in silico algorithms, and/or has population frequency not consistent with disease.

Breakthrough Genomics
Classification: Benign. Review status: criteria provided, single submitter. Criteria: ACMG Guidelines, 2015. Collection method: not provided. Allele origin: germline. Inheritance: Autosomal recessive inheritance. Affected: yes.

Clinical Genetics DNA and cytogenetics Diagnostics Lab, Erasmus MC, Erasmus Medical Center
Classification: Benign. Review status: no assertion criteria provided. Collection method: clinical testing. Allele origin: germline. Affected: yes. Study: VKGL Data-share Consensus. Not counted in ClinVar's aggregate classification.

Clinical Genetics, Academic Medical Center
Classification: Benign. Review status: no assertion criteria provided. Collection method: clinical testing. Allele origin: germline. Affected: yes. Study: VKGL Data-share Consensus. Not counted in ClinVar's aggregate classification.

NM_001358921.2(COQ2):c.957C>T (p.Tyr319=)

Gene: COQ2 (coenzyme Q2, polyprenyltransferase; minus strand). Cytogenetic location: 4q21.23.
Variant type: single nucleotide variant.
Coding change: c.957C>T on transcript NM_001358921.2 (MANE Select); coding-DNA position 957, C replaced by T.
Protein change: p.Tyr319=; no amino-acid change (tyrosine 319 retained).
Molecular consequence: synonymous variant.
Genome position (GRCh38, 1-based): chr4:83,264,358, G>A on the plus strand (C>T on the coding strand, the complement: COQ2 is on the minus strand). VCF-style: chr4-83264358-G-A. GRCh37 (hg19) VCF-style: chr4-84185511-G-A.
Other names: p.Y369Y:TAC>TAT; p.Tyr369=; c.1107C>T, p.Tyr369= (NM_015697.9).
Identifiers: ClinVar variation 136975 (VCV000136975.20), dbSNP rs141431344, ClinGen allele CA290425.